The following is an entry in ClinVar:

NM_006231.4(POLE):c.5552+1G>T

Gene: POLE (DNA polymerase epsilon, catalytic subunit; minus strand). Cytogenetic location: 12q24.33.
Variant type: single nucleotide variant.
Coding change: c.5552+1G>T on transcript NM_006231.4 (MANE Select); the canonical splice donor site of the intron after coding-DNA position 5552, G replaced by T.
Molecular consequence: splice donor variant.
Genome position (GRCh38, 1-based): chr12:132,639,124, C>A on the plus strand (G>T on the coding strand, the complement: POLE is on the minus strand). VCF-style: chr12-132639124-C-A. GRCh37 (hg19) VCF-style: chr12-133215710-C-A.
Identifiers: ClinVar variation 484562 (VCV000484562.6), dbSNP rs1555221894, ClinGen allele CA387374521.

ClinVar aggregate classification (germline): Uncertain significance (1 of 4 stars; one submission).

Conditions:
Hereditary cancer-predisposing syndrome. Also called: Tumor predisposition; Hereditary Cancer Syndrome; Neoplastic Syndromes, Hereditary; Hereditary neoplastic syndrome. Identifiers: Orphanet 140162, MedGen C0027672, MeSH D009386, MONDO:0015356.

Submission:

Ambry Genetics
Classification: Uncertain significance for Hereditary cancer-predisposing syndrome. Last evaluated: 2026-02-05. Review status: criteria provided, single submitter. Criteria: Ambry Variant Classification Scheme 2023. Collection method: clinical testing. Allele origin: germline.
Comment: The c.5552+1G>T intronic variant results from a G to T substitution one nucleotide after coding exon 40 of the POLE gene. Alterations that disrupt the canonical splice site are expected to result in aberrant splicing. In silico splice site analysis predicts that this alteration will weaken the native splice donor site. A resulting transcript is predicted to be in-frame and is not expected to trigger nonsense-mediated mRNA decay; although, direct evidence is unavailable. This nucleotide position is highly conserved in available vertebrate species. Based on the available evidence, the clinical significance of this variant remains unclear.